The following is an entry in ClinVar:

NM_000388.4(CASR):c.3145G>T (p.Glu1049Ter)

Gene: CASR (calcium sensing receptor; plus strand). Cytogenetic location: 3q21.1.
Variant type: single nucleotide variant.
Coding change: c.3145G>T on transcript NM_000388.4 (MANE Select); coding-DNA position 3145, G replaced by T.
Protein change: p.Glu1049Ter; replaces glutamic acid 1049 with a stop codon.
Molecular consequence: nonsense.
Genome position (GRCh38, 1-based): chr3:122,285,099, G>T. VCF-style: chr3-122285099-G-T. GRCh37 (hg19) VCF-style: chr3-122003946-G-T.
Other names: c.3175G>T, p.Glu1059Ter (NM_001178065.2); short protein forms E1049*, E1059*.
Identifiers: ClinVar variation 1052336 (VCV001052336.9), dbSNP rs2107652017, ClinGen allele CA354161577.
Genomic context (GRCh38, chr3:122,285,099, plus strand): 5'-GAAACAGGTCTGCAAGGACCTGTGGGTGGAGACCAGCGGCCAGAGGTGGAGGACCCTGAA[G>T]AGTTGTCCCCAGCACTTGTAGTGTCCAGTTCACAGAGCTTTGTCATCAGTGGTGGAGGCA-3'

ClinVar aggregate classification (germline): Uncertain significance (1 of 4 stars; one submission).

Conditions:
Autosomal dominant hypocalcemia 1 (HYPOC1). Also called: HYPOCALCEMIA, FAMILIAL. Identifiers: MedGen C3715128, MONDO:0011013, OMIM 601198.
Familial hypocalciuric hypercalcemia (FHH). Also called: Familial benign hypercalcemia. Identifiers: Orphanet 405, MedGen C1809471, MONDO:0018458.

Submission:

Labcorp Genetics (formerly Invitae), Labcorp
Classification: Uncertain significance for Familial hypocalciuric hypercalcemia; Autosomal dominant hypocalcemia 1. Last evaluated: 2020-07-19. Review status: criteria provided, single submitter. Criteria: Invitae Variant Classification Sherloc (09022015). Collection method: clinical testing. Allele origin: germline.
Comment: In summary, the available evidence is currently insufficient to determine the role of this variant in disease. Therefore, it has been classified as a Variant of Uncertain Significance. This variant has been observed in individual(s) with primary hyperparathyroidism (PMID: 28870973). This variant is not present in population databases (ExAC no frequency). This sequence change results in a premature translational stop signal in the CASR gene (p.Glu1049*). While this is not anticipated to result in nonsense mediated decay, it is expected to disrupt the last 30 amino acids of the CASR protein.

Literature cited by the submitters: PubMed 28870973.